The following is an entry in ClinVar:

ClinVar aggregate classification (germline): Uncertain significance (1 of 4 stars; one submission).

Conditions:
46 XY differences of sex development. Also called: 46, XY disorder of sex development (DSD); 46,XY disorder of sex development. Identifiers: Orphanet 98085, MedGen C2751824, MONDO:0020040.
Oligosynaptic infertility (SPGF1). Also called: SPERMATOGENIC FAILURE 1; OLIGOCHIASMATIC INFERTILITY. Identifiers: MedGen C0403810, MONDO:0009776, OMIM 258150.

Submission:

Labcorp Genetics (formerly Invitae), Labcorp
Classification: Uncertain significance for 46 XY differences of sex development; Oligosynaptic infertility. Last evaluated: 2022-02-25. Review status: criteria provided, single submitter. Criteria: Invitae Variant Classification Sherloc (09022015). Collection method: clinical testing. Allele origin: germline.
Comment: This variant has not been reported in the literature in individuals affected with NR5A1-related conditions. This variant is not present in population databases (gnomAD no frequency). This sequence change replaces glycine, which is neutral and non-polar, with alanine, which is neutral and non-polar, at codon 90 of the NR5A1 protein (p.Gly90Ala). In summary, the available evidence is currently insufficient to determine the role of this variant in disease. Therefore, it has been classified as a Variant of Uncertain Significance. Algorithms developed to predict the effect of missense changes on protein structure and function (SIFT, PolyPhen-2, Align-GVGD) all suggest that this variant is likely to be disruptive.

NM_004959.5(NR5A1):c.269G>C (p.Gly90Ala)

Gene: NR5A1 (nuclear receptor subfamily 5 group A member 1; minus strand). Cytogenetic location: 9q33.3.
Variant type: single nucleotide variant.
Coding change: c.269G>C on transcript NM_004959.5 (MANE Select); coding-DNA position 269, G replaced by C.
Protein change: p.Gly90Ala; replaces glycine 90 with alanine.
Molecular consequence: missense variant.
Genome position (GRCh38, 1-based): chr9:124,500,691, C>G on the plus strand (G>C on the coding strand, the complement: NR5A1 is on the minus strand). VCF-style: chr9-124500691-C-G. GRCh37 (hg19) VCF-style: chr9-127262970-C-G.
Other names: short protein forms G90A.
Identifiers: ClinVar variation 2103610 (VCV002103610.4), dbSNP rs2538684721, ClinGen allele CA374888991.
Genomic context (GRCh38, chr9:124,500,691, plus strand): 5'-TTCTTCTGCTGTTTCAGGGCCCGGTCCCGCTTGTACATCGGCCCAAACTTGTTCCGGCCA[C>G]CCCTCATACGGTCAGCGCGCACGGCTGTGGGCAGGGGCAGAGGGTCAGACTCACCCTCTC-3'
Protein context (NP_004950.2, residues 80-100): LEAVRADRMR[Gly90Ala]GRNKFGPMYK